The following is an entry in ClinVar:

ClinVar aggregate classification (germline): Uncertain significance (1 of 4 stars; one submission).

gnomAD v4.1: 1 of 1,614,108 alleles (0.000062%); highest among the groups gnomAD compares: Non-Finnish European, 0.000085%; no homozygotes.

Submission:

Dasa
Classification: Uncertain significance. Last evaluated: 2025-12-26. Review status: criteria provided, single submitter. Criteria: DASA Assertion Criteria. Collection method: clinical testing. Allele origin: germline.
Comment: NM_005998.5(CCT3):c.197T>C (p.Ile66Thr) is a missense variant that results in the substitution of isoleucine with threonine. This variant is rare in population databases. Computational prediction algorithms are consistent with a deleterious effect. The currently available literature and clinical evidence are not sufficient to establish a definitive association between this variant and the reported condition. Therefore, this variant is classified as a variant of uncertain significance.

NM_005998.5(CCT3):c.197T>C (p.Ile66Thr)

Gene: CCT3 (chaperonin containing TCP1 subunit 3; minus strand). Cytogenetic location: 1q22.
Variant type: single nucleotide variant.
Coding change: c.197T>C on transcript NM_005998.5 (MANE Select); coding-DNA position 197, T replaced by C.
Protein change: p.Ile66Thr; replaces isoleucine 66 with threonine.
Molecular consequence: missense variant. On other transcripts: non-coding transcript variant (2), intron variant (1).
Genome position (GRCh38, 1-based): chr1:156,334,723, A>G on the plus strand (T>C on the coding strand, the complement: CCT3 is on the minus strand). VCF-style: chr1-156334723-A-G. GRCh37 (hg19) VCF-style: chr1-156304514-A-G.
Other names: c.94-1080T>C (NM_001008800.3); short protein forms I66T.
Identifiers: ClinVar variation 5020755 (VCV005020755.1).